The following is an entry in ClinVar:

NM_004519.4(KCNQ3):c.326C>G (p.Thr109Ser)

Gene: KCNQ3 (potassium voltage-gated channel subfamily Q member 3; minus strand). Cytogenetic location: 8q24.22.
Variant type: single nucleotide variant.
Coding change: c.326C>G on transcript NM_004519.4 (MANE Select); coding-DNA position 326, C replaced by G.
Protein change: p.Thr109Ser; replaces threonine 109 with serine.
Molecular consequence: missense variant.
Genome position (GRCh38, 1-based): chr8:132,480,207, G>C on the plus strand (C>G on the coding strand, the complement: KCNQ3 is on the minus strand). VCF-style: chr8-132480207-G-C. GRCh37 (hg19) VCF-style: chr8-133492454-G-C.
Other names: c.326C>G (NM_004519.3); short protein forms T109S.
Identifiers: ClinVar variation 1515024 (VCV001515024.7), dbSNP rs2130874904, ClinGen allele CA372292440.

ClinVar aggregate classification (germline): Uncertain significance. Review status: criteria provided, multiple submitters, no conflicts (2 of 4 stars). 2 submissions from 2 submitters: Uncertain significance (2). Last evaluated 2024-12-02.

Conditions:
Benign neonatal seizures. Also called: Benign familial neonatal seizures; Convulsions benign familial neonatal dominant form; Autosomal dominant form of benign neonatal seizures; Benign familial neonatal epilepsy; Benign neonatal familial convulsions. Identifiers: Orphanet 1949, MedGen C0220669, MONDO:0016027.
Inborn genetic diseases. Identifiers: MedGen C0950123, MeSH D030342.

Allele frequency attached by ClinVar (database versions not stated): gnomAD exomes below 0.00001.
gnomAD v4.1: 2 of 1,613,402 alleles (0.00012%); highest among the groups gnomAD compares: South Asian, 0.0022%; no homozygotes.

Submissions (2):

Labcorp Genetics (formerly Invitae), Labcorp
Classification: Uncertain significance for Benign neonatal seizures. Last evaluated: 2024-12-02. Review status: criteria provided, single submitter. Criteria: Invitae Variant Classification Sherloc (09022015). Collection method: clinical testing. Allele origin: germline.
Comment: This sequence change replaces threonine, which is neutral and polar, with serine, which is neutral and polar, at codon 109 of the KCNQ3 protein (p.Thr109Ser). This variant is not present in population databases (gnomAD no frequency). This variant has not been reported in the literature in individuals affected with KCNQ3-related conditions. ClinVar contains an entry for this variant (Variation ID: 1515024). Invitae Evidence Modeling of protein sequence and biophysical properties (such as structural, functional, and spatial information, amino acid conservation, physicochemical variation, residue mobility, and thermodynamic stability) indicates that this missense variant is not expected to disrupt KCNQ3 protein function with a negative predictive value of 80%. In summary, the available evidence is currently insufficient to determine the role of this variant in disease. Therefore, it has been classified as a Variant of Uncertain Significance.

Ambry Genetics
Classification: Uncertain significance for Inborn genetic diseases. Last evaluated: 2024-11-11. Review status: criteria provided, single submitter. Criteria: Ambry Variant Classification Scheme 2023. Collection method: clinical testing. Allele origin: germline.